The following is an entry in ClinVar:

NM_000370.3(TTPA):c.420del (p.Glu141fs)

Gene: TTPA (alpha tocopherol transfer protein; minus strand). Cytogenetic location: 8q12.3.
Variant type: Deletion.
Coding change: c.420del on transcript NM_000370.3 (MANE Select); coding-DNA position 420, one base deleted (C; older notation c.420delC).
Protein change: p.Glu141fs; shifts the reading frame from glutamic acid 141.
Molecular consequence: frameshift variant. On other transcripts: non-coding transcript variant (2), intron variant (3).
Genome position (GRCh38, 1-based): chr8:63,066,036, G deleted on the plus strand (C on the coding strand, the reverse complement: TTPA is on the minus strand); the first of 2 consecutive G bases (chr8:63,066,036-63,066,037); deleting either gives the same sequence. VCF-style (leftmost placement, unchanged base first): chr8-63066035-CG-C. GRCh37 (hg19) VCF-style: chr8-63978594-CG-C.
Other names: c.420del, p.Glu141fs (NM_001413416.1); c.537del, p.Glu180fs (NM_001413418.1); c.205-4611del (NM_001413417.1); c.205-1720del (NM_001413414.1); c.359-4611del (NM_001413415.1); short protein forms E180fs, E141fs.
Identifiers: ClinVar variation 2836483 (VCV002836483.3), dbSNP rs2487147705, ClinGen allele CA2739268807.

ClinVar aggregate classification (germline): Pathogenic (1 of 4 stars; one submission).

Submission:

Labcorp Genetics (formerly Invitae), Labcorp
Classification: Pathogenic. Last evaluated: 2023-02-11. Review status: criteria provided, single submitter. Criteria: Invitae Variant Classification Sherloc (09022015). Collection method: clinical testing. Allele origin: germline.
Comment: This sequence change creates a premature translational stop signal (p.Glu141Serfs*7) in the TTPA gene. It is expected to result in an absent or disrupted protein product. Loss-of-function variants in TTPA are known to be pathogenic (PMID: 9463307, 26068213). This variant is not present in population databases (gnomAD no frequency). This variant has not been reported in the literature in individuals affected with TTPA-related conditions. For these reasons, this variant has been classified as Pathogenic.

Literature cited by the submitters: PubMed 9463307; PubMed 26068213.